The following is an entry in ClinVar:

NM_020937.4(FANCM):c.2725A>G (p.Thr909Ala)

Gene: FANCM (FA complementation group M; plus strand). Cytogenetic location: 14q21.2.
Variant type: single nucleotide variant.
Coding change: c.2725A>G on transcript NM_020937.4 (MANE Select); coding-DNA position 2725, A replaced by G.
Protein change: p.Thr909Ala; replaces threonine 909 with alanine.
Molecular consequence: missense variant.
Genome position (GRCh38, 1-based): chr14:45,175,479, A>G. VCF-style: chr14-45175479-A-G. GRCh37 (hg19) VCF-style: chr14-45644682-A-G.
Other names: c.2647A>G, p.Thr883Ala (NM_001308133.2); short protein forms T909A, T883A.
Identifiers: ClinVar variation 940710 (VCV000940710.10), dbSNP rs1475086312, ClinGen allele CA389598936.
Genomic context (GRCh38, chr14:45,175,479, plus strand): 5'-ATTTTTCAAGAAGACCTACCAAATGATAAAAGGACATCAGATACAGATGAAATTGCTGCC[A>G]CATGTACTATTAATGAAAATGTTATTAAAGAACCGTGTGTGTTATTAACAGAGTGTCAGT-3'
Protein context (NP_065988.1, residues 899-919): RTSDTDEIAA[Thr909Ala]CTINENVIKE

ClinVar aggregate classification (germline): Uncertain significance. Review status: criteria provided, multiple submitters, no conflicts (2 of 4 stars). 2 submissions from 2 submitters: Uncertain significance (2). Last evaluated 2025-07-24.

Conditions:
Fanconi anemia (FA). Also called: Fanconi's anemia. Identifiers: Orphanet 84, MedGen C0015625, MeSH D005199, MONDO:0019391.
Inborn genetic diseases. Identifiers: MedGen C0950123, MeSH D030342.

Allele frequency attached by ClinVar (database versions not stated): gnomAD exomes below 0.00001; TOPMed below 0.00001; gnomAD 0.00001.
gnomAD v4.1: 2 of 1,611,670 alleles (0.00012%); highest among the groups gnomAD compares: Admixed American, 0.0033%; no homozygotes.

Submissions (2):

Ambry Genetics
Classification: Uncertain significance for Inborn genetic diseases. Last evaluated: 2025-07-24. Review status: criteria provided, single submitter. Criteria: Ambry Variant Classification Scheme 2023. Collection method: clinical testing. Allele origin: germline.
Comment: The p.T909A variant (also known as c.2725A>G), located in coding exon 14 of the FANCM gene, results from an A to G substitution at nucleotide position 2725. The threonine at codon 909 is replaced by alanine, an amino acid with similar properties. This amino acid position is conserved. In addition, this alteration is predicted to be tolerated by in silico analysis. Based on the available evidence, the clinical significance of this variant remains unclear.

Labcorp Genetics (formerly Invitae), Labcorp
Classification: Uncertain significance for Fanconi anemia. Last evaluated: 2024-08-08. Review status: criteria provided, single submitter. Criteria: Invitae Variant Classification Sherloc (09022015). Collection method: clinical testing. Allele origin: germline.
Comment: This sequence change replaces threonine, which is neutral and polar, with alanine, which is neutral and non-polar, at codon 909 of the FANCM protein (p.Thr909Ala). This variant is not present in population databases (gnomAD no frequency). This variant has not been reported in the literature in individuals affected with FANCM-related conditions. ClinVar contains an entry for this variant (Variation ID: 940710). An algorithm developed to predict the effect of missense changes on protein structure and function outputs the following: PolyPhen-2: "Benign". The alanine amino acid residue is found in multiple mammalian species, which suggests that this missense change does not adversely affect protein function. In summary, the available evidence is currently insufficient to determine the role of this variant in disease. Therefore, it has been classified as a Variant of Uncertain Significance.